The following is an entry in ClinVar:

ClinVar aggregate classification (germline): Conflicting classifications of pathogenicity. Review status: criteria provided, conflicting classifications (1 of 4 stars). 4 submissions from 4 submitters: Uncertain significance (3); Likely benign (1). Last evaluated 2023-03-28.

Conditions:
Inborn genetic diseases. Identifiers: MedGen C0950123, MeSH D030342.

Allele frequency attached by ClinVar (database versions not stated): gnomAD 0.00007 and 0.00008; ExAC 0.00008; TOPMed 0.00008; gnomAD exomes 0.00012.
gnomAD v4.1: 172 of 1,609,370 alleles (0.011%); highest among the groups gnomAD compares: Non-Finnish European, 0.014%; 1 homozygote.

Submissions (4):

Ambry Genetics
Classification: Uncertain significance for Inborn genetic diseases. Last evaluated: 2023-03-28. Review status: criteria provided, single submitter. Criteria: Ambry Variant Classification Scheme 2023. Collection method: clinical testing. Allele origin: germline.

Labcorp Genetics (formerly Invitae), Labcorp
Classification: Uncertain significance. Last evaluated: 2022-08-02. Review status: criteria provided, single submitter. Criteria: Invitae Variant Classification Sherloc (09022015). Collection method: clinical testing. Allele origin: germline.
Comment: This sequence change replaces threonine, which is neutral and polar, with alanine, which is neutral and non-polar, at codon 264 of the DTNBP1 protein (p.Thr264Ala). This variant is present in population databases (rs753618520, gnomAD 0.02%). This variant has not been reported in the literature in individuals affected with DTNBP1-related conditions. ClinVar contains an entry for this variant (Variation ID: 434962). Algorithms developed to predict the effect of missense changes on protein structure and function output the following: SIFT: "Tolerated"; PolyPhen-2: "Benign"; Align-GVGD: "Class C0". The alanine amino acid residue is found in multiple mammalian species, which suggests that this missense change does not adversely affect protein function. In summary, the available evidence is currently insufficient to determine the role of this variant in disease. Therefore, it has been classified as a Variant of Uncertain Significance.

Laboratory for Molecular Medicine, Mass General Brigham Personalized Medicine
Classification: Likely benign. Last evaluated: 2017-12-15. Review status: criteria provided, single submitter. Criteria: LMM Criteria. Collection method: clinical testing. Allele origin: germline. Observed: 1 variant allele.
Comment: p.Thr264Ala in exon 9A of DTNBP1: This variant is not expected to have clinical significance due to a lack of conservation across species (15 species including several mammals have an Alanine at this position). In addition, this variant has been identified in 24/124950 European chromosomes by the Genome Aggregation Dat abase (gnomAD; dbSNP rs753618520). ACMG/AMP Cr iteria applied: BP4

Genetic Services Laboratory, University of Chicago
Classification: Uncertain significance. Last evaluated: 2017-01-12. Review status: criteria provided, single submitter. Criteria: ACMG Guidelines, 2015. Collection method: clinical testing. Allele origin: germline. Affected: no.

NM_032122.5(DTNBP1):c.790A>G (p.Thr264Ala)

Gene: DTNBP1 (dystrobrevin binding protein 1; minus strand). Cytogenetic location: 6p22.3.
Variant type: single nucleotide variant.
Coding change: c.790A>G on transcript NM_032122.5 (MANE Select); coding-DNA position 790, A replaced by G.
Protein change: p.Thr264Ala; replaces threonine 264 with alanine.
Molecular consequence: missense variant. On other transcripts: non-coding transcript variant (1).
Genome position (GRCh38, 1-based): chr6:15,524,547, T>C on the plus strand (A>G on the coding strand, the complement: DTNBP1 is on the minus strand). VCF-style: chr6-15524547-T-C. GRCh37 (hg19) VCF-style: chr6-15524778-T-C.
Other names: c.547A>G, p.Thr183Ala (NM_001271667.2); c.739A>G, p.Thr247Ala (NM_001271668.2); c.685A>G, p.Thr229Ala (NM_001271669.2); c.790A>G, p.Thr264Ala (NM_183040.2); short protein forms T264A, T247A, T183A, T229A.
Identifiers: ClinVar variation 434962 (VCV000434962.14), dbSNP rs753618520, ClinGen allele CA3643891.
Genomic context (GRCh38, chr6:15,524,547, plus strand): 5'-ACTGCCCTGGTTCAGCTAATGCAAGTTTGTCAACCCTACCTAAGGCGGGGGACAGCACAG[T>C]GTTCTCTTCTCCTCCAGAGTTCAGGAAGACGTCCAGGGCCTCCTGGTCCGATATGTCCAT-3'
Protein context (NP_115498.2, residues 254-274): VFLNSGGEEN[Thr264Ala]VLSPALGPES